The following is an entry in ClinVar:

NM_172364.5(CACNA2D4):c.2633C>T (p.Pro878Leu)

Gene: CACNA2D4 (calcium voltage-gated channel auxiliary subunit alpha2delta 4; minus strand). Cytogenetic location: 12p13.33.
Variant type: single nucleotide variant.
Coding change: c.2633C>T on transcript NM_172364.5 (MANE Select); coding-DNA position 2633, C replaced by T.
Protein change: p.Pro878Leu; replaces proline 878 with leucine.
Molecular consequence: missense variant.
Genome position (GRCh38, 1-based): chr12:1,810,568, G>A on the plus strand (C>T on the coding strand, the complement: CACNA2D4 is on the minus strand). VCF-style: chr12-1810568-G-A. GRCh37 (hg19) VCF-style: chr12-1919734-G-A.
Other names: short protein forms P878L.
Identifiers: ClinVar variation 952702 (VCV000952702.11), dbSNP rs774244840, ClinGen allele CA6386281.

ClinVar aggregate classification (germline): Uncertain significance. Review status: criteria provided, multiple submitters, no conflicts (2 of 4 stars). 3 submissions from 3 submitters: Uncertain significance (3). Last evaluated 2024-12-23.

Conditions:
Inborn genetic diseases. Identifiers: MedGen C0950123, MeSH D030342.

Allele frequency attached by ClinVar (database versions not stated): gnomAD exomes 0.00001 and 0.00002; TOPMed 0.00001; ExAC 0.00005.
gnomAD v4.1: 19 of 1,553,640 alleles (0.0012%); highest among the groups gnomAD compares: Middle Eastern, 0.017%; no homozygotes.

Submissions (3):

Ambry Genetics
Classification: Uncertain significance for Inborn genetic diseases. Last evaluated: 2024-12-23. Review status: criteria provided, single submitter. Criteria: Ambry Variant Classification Scheme 2023. Collection method: clinical testing. Allele origin: germline.

Labcorp Genetics (formerly Invitae), Labcorp
Classification: Uncertain significance. Last evaluated: 2024-08-07. Review status: criteria provided, single submitter. Criteria: Invitae Variant Classification Sherloc (09022015). Collection method: clinical testing. Allele origin: germline.
Comment: This sequence change replaces proline, which is neutral and non-polar, with leucine, which is neutral and non-polar, at codon 878 of the CACNA2D4 protein (p.Pro878Leu). The frequency data for this variant in the population databases is considered unreliable, as metrics indicate poor data quality at this position in the gnomAD database. This variant has not been reported in the literature in individuals affected with CACNA2D4-related conditions. ClinVar contains an entry for this variant (Variation ID: 952702). An algorithm developed to predict the effect of missense changes on protein structure and function (PolyPhen-2) suggests that this variant is likely to be tolerated. In summary, the available evidence is currently insufficient to determine the role of this variant in disease. Therefore, it has been classified as a Variant of Uncertain Significance.

Breakthrough Genomics
Classification: Uncertain significance. Review status: criteria provided, single submitter. Criteria: ACMG Guidelines, 2015. Collection method: not provided. Allele origin: germline. Inheritance: Autosomal recessive inheritance. Affected: yes.